The following is an entry in ClinVar:

NM_152443.3(RDH12):c.723del (p.Ser242fs)

Genes: GPHN (gephyrin; plus strand), RDH12 (retinol dehydrogenase 12; plus strand), ZFYVE26 (zinc finger FYVE-type containing 26; minus strand). Cytogenetic location: 14q24.1.
Variant type: Deletion.
Coding change: c.723del on transcript NM_152443.3 (MANE Select); coding-DNA position 723, one base deleted (C; older notation c.723delC).
Protein change: p.Ser242fs; shifts the reading frame from serine 242.
Molecular consequence: frameshift variant.
Genome position (GRCh38, 1-based): chr14:67,729,255, C deleted; the last of 2 consecutive C bases (chr14:67,729,254-67,729,255); deleting either gives the same sequence. VCF-style (leftmost placement, unchanged base first): chr14-67729253-TC-T. GRCh37 (hg19) VCF-style: chr14-68195970-TC-T.
Other names: short protein forms S242fs.
Identifiers: ClinVar variation 1929453 (VCV001929453.5), dbSNP rs2503832440, ClinGen allele CA2580088640.

ClinVar aggregate classification (germline): Pathogenic (1 of 4 stars; one submission).

Conditions:
Leber congenital amaurosis 13 (LCA13). Identifiers: MedGen C2675186, MONDO:0012990, OMIM 612712.

Submission:

Labcorp Genetics (formerly Invitae), Labcorp
Classification: Pathogenic for Leber congenital amaurosis 13. Last evaluated: 2022-06-23. Review status: criteria provided, single submitter. Criteria: Invitae Variant Classification Sherloc (09022015). Collection method: clinical testing. Allele origin: germline.
Comment: For these reasons, this variant has been classified as Pathogenic. This variant disrupts a region of the RDH12 protein in which other variant(s) (p.Trp304*) have been determined to be pathogenic (PMID: 20736127, 24625443; Invitae). This suggests that this is a clinically significant region of the protein, and that variants that disrupt it are likely to be disease-causing. This premature translational stop signal has been observed in individual(s) with RDH12-related conditions (PMID: 31630094). This variant is not present in population databases (gnomAD no frequency). This sequence change creates a premature translational stop signal (p.Ser242Profs*36) in the RDH12 gene. While this is not anticipated to result in nonsense mediated decay, it is expected to disrupt the last 75 amino acid(s) of the RDH12 protein.

Literature cited by the submitters: PubMed 20736127; PubMed 24625443; PubMed 31630094.